The following is an entry in ClinVar:

ClinVar aggregate classification (germline): Likely benign (1 of 4 stars; one submission).

Conditions:
PLXNA4-related disorder. Also called: PLXNA4-related condition.

Submission:

PreventionGenetics, part of Exact Sciences
Classification: Likely benign for PLXNA4-related condition. Last evaluated: 2024-11-25. Review status: criteria provided, single submitter. Criteria: ACMG Guidelines, 2015. Collection method: clinical testing. Allele origin: germline.
Comment: This variant is classified as likely benign based on ACMG/AMP sequence variant interpretation guidelines (Richards et al. 2015 PMID: 25741868, with internal and published modifications).

NM_020911.2(PLXNA4):c.3678G>A (p.Val1226=)

Gene: PLXNA4 (plexin A4; minus strand). Cytogenetic location: 7q32.3.
Variant type: single nucleotide variant.
Coding change: c.3678G>A on transcript NM_020911.2 (MANE Select); coding-DNA position 3678, G replaced by A.
Protein change: p.Val1226=; no amino-acid change (valine 1226 retained).
Molecular consequence: synonymous variant.
Genome position (GRCh38, 1-based): chr7:132,179,883, C>T on the plus strand (G>A on the coding strand, the complement: PLXNA4 is on the minus strand). VCF-style: chr7-132179883-C-T. GRCh37 (hg19) VCF-style: chr7-131864642-C-T.
Other names: c.3678G>A, p.Val1226= (NM_001393897.1).
Identifiers: ClinVar variation 5000700 (VCV005000700.1).